The following is an entry in ClinVar:

ClinVar aggregate classification (germline): Uncertain significance (1 of 4 stars; one submission).

Submission:

GeneDx
Classification: Uncertain significance. Last evaluated: 2019-09-09. Review status: criteria provided, single submitter. Criteria: GeneDx Variant Classification Process June 2021. Collection method: clinical testing. Allele origin: germline. Affected: yes.
Comment: Not observed in large population cohorts (Lek et al., 2016); In-frame deletion of 1 amino acid in a non-repeat region; In silico analysis, which includes protein predictors and evolutionary conservation, supports a deleterious effect; Has not been previously published as pathogenic or benign to our knowledge

NM_016042.4(EXOSC3):c.420_422del (p.Leu141del)

Gene: EXOSC3 (exosome component 3; minus strand). Cytogenetic location: 9p13.2.
Variant type: Deletion.
Coding change: c.420_422del on transcript NM_016042.4 (MANE Select); coding-DNA positions 420 to 422, 3 bases deleted (TTT; older notation c.420_422delTTT).
Protein change: p.Leu141del; deletes leucine 141.
Molecular consequence: inframe deletion.
Genome position (GRCh38, 1-based): chr9:37,783,966-37,783,968, AAA deleted on the plus strand (TTT on the coding strand, the reverse complement: EXOSC3 is on the minus strand). VCF-style (leftmost placement, unchanged base first): chr9-37783965-CAAA-C. GRCh37 (hg19) VCF-style: chr9-37783962-CAAA-C.
Other names: c.420_422del, p.Leu141del (NM_001002269.2); short protein forms L141del.
Identifiers: ClinVar variation 1310760 (VCV001310760.2), dbSNP rs2118980108, ClinGen allele CA2573053182.